The following is an entry in ClinVar:

ClinVar aggregate classification (germline): Uncertain significance (1 of 4 stars; one submission).

Conditions:
Inborn genetic diseases. Identifiers: MedGen C0950123, MeSH D030342.

Submission:

Ambry Genetics
Classification: Uncertain significance for Inborn genetic diseases. Last evaluated: 2025-10-12. Review status: criteria provided, single submitter. Criteria: Ambry Variant Classification Scheme 2023. Collection method: clinical testing. Allele origin: germline.
Comment: The p.P1179S variant (also known as c.3535C>T), located in coding exon 36 of the FANCA gene, results from a C to T substitution at nucleotide position 3535. The proline at codon 1179 is replaced by serine, an amino acid with similar properties. This amino acid position is conserved. In addition, the in silico prediction for this alteration is inconclusive. Based on the available evidence, the clinical significance of this variant remains unclear.

NM_000135.4(FANCA):c.3535C>T (p.Pro1179Ser)

Gene: FANCA (FA complementation group A; minus strand). Cytogenetic location: 16q24.3.
Variant type: single nucleotide variant.
Coding change: c.3535C>T on transcript NM_000135.4 (MANE Select); coding-DNA position 3535, C replaced by T.
Protein change: p.Pro1179Ser; replaces proline 1179 with serine.
Molecular consequence: missense variant.
Genome position (GRCh38, 1-based): chr16:89,745,050, G>A on the plus strand (C>T on the coding strand, the complement: FANCA is on the minus strand). VCF-style: chr16-89745050-G-A. GRCh37 (hg19) VCF-style: chr16-89811458-G-A.
Other names: c.3535C>T, p.Pro1179Ser (NM_001286167.3); short protein forms P1179S.
Identifiers: ClinVar variation 4619196 (VCV004619196.1).